The following is an entry in ClinVar:

ClinVar aggregate classification (germline): Uncertain significance. Review status: criteria provided, multiple submitters, no conflicts (2 of 4 stars). 2 submissions from 2 submitters: Uncertain significance (2). Last evaluated 2024-01-22.

Conditions:
Dilated cardiomyopathy 1J (CMD1J). Also called: CARDIOMYOPATHY, DILATED, WITH SENSORINEURAL HEARING LOSS, AUTOSOMAL DOMINANT. Identifiers: Orphanet 217622, MedGen C1854368, MONDO:0011541, OMIM 605362.
Cardiovascular phenotype. Identifiers: MedGen CN230736.

gnomAD v4.1: 10 of 1,613,442 alleles (0.00062%); highest among the groups gnomAD compares: Non-Finnish European, 0.00085%; no homozygotes.

Submissions (2):

Labcorp Genetics (formerly Invitae), Labcorp
Classification: Uncertain significance for Dilated cardiomyopathy 1J. Last evaluated: 2024-01-22. Review status: criteria provided, single submitter. Criteria: Invitae Variant Classification Sherloc (09022015). Collection method: clinical testing. Allele origin: germline.
Comment: This sequence change replaces tyrosine, which is neutral and polar, with cysteine, which is neutral and slightly polar, at codon 193 of the EYA4 protein (p.Tyr193Cys). This variant is not present in population databases (gnomAD no frequency). This variant has not been reported in the literature in individuals affected with EYA4-related conditions. ClinVar contains an entry for this variant (Variation ID: 2140582). An algorithm developed to predict the effect of missense changes on protein structure and function (PolyPhen-2) suggests that this variant is likely to be disruptive. Algorithms developed to predict the effect of sequence changes on RNA splicing suggest that this variant may disrupt the consensus splice site. In summary, the available evidence is currently insufficient to determine the role of this variant in disease. Therefore, it has been classified as a Variant of Uncertain Significance.

Ambry Genetics
Classification: Uncertain significance for Cardiovascular phenotype. Last evaluated: 2023-10-20. Review status: criteria provided, single submitter. Criteria: Ambry Variant Classification Scheme 2023. Collection method: clinical testing. Allele origin: germline.
Comment: The p.Y193C variant (also known as c.578A>G), located in coding exon 7 of the EYA4 gene, results from an A to G substitution at nucleotide position 578. The tyrosine at codon 193 is replaced by cysteine, an amino acid with highly dissimilar properties. This amino acid position is conserved. In addition, this alteration is predicted to be deleterious by in silico analysis. Since supporting evidence is limited at this time, the clinical significance of this alteration remains unclear.

NM_004100.5(EYA4):c.578A>G (p.Tyr193Cys)

Gene: EYA4 (EYA transcriptional coactivator and phosphatase 4; plus strand). Cytogenetic location: 6q23.2.
Variant type: single nucleotide variant.
Coding change: c.578A>G on transcript NM_004100.5 (MANE Select); coding-DNA position 578, A replaced by G.
Protein change: p.Tyr193Cys; replaces tyrosine 193 with cysteine.
Molecular consequence: missense variant.
Genome position (GRCh38, 1-based): chr6:133,462,475, A>G. VCF-style: chr6-133462475-A-G. GRCh37 (hg19) VCF-style: chr6-133783613-A-G.
Other names: c.416A>G, p.Tyr139Cys (NM_001301012.2, NM_001370459.1); c.578A>G, p.Tyr193Cys (NM_001301013.2, NM_172105.4); c.509A>G, p.Tyr170Cys (NM_001370458.1, NM_172103.4); c.578A>G (NM_004100.4); short protein forms Y139C, Y193C, Y170C.
Identifiers: ClinVar variation 2140582 (VCV002140582.5), dbSNP rs866072739, ClinGen allele CA148048823.